The following is an entry in ClinVar:

ClinVar aggregate classification (germline): Uncertain significance. Review status: criteria provided, multiple submitters, no conflicts (2 of 4 stars). 2 submissions from 2 submitters: Uncertain significance (2). Last evaluated 2026-04-15.

Conditions:
Inborn genetic diseases. Identifiers: MedGen C0950123, MeSH D030342.

gnomAD v4.1: 1 of 1,553,648 alleles (0.000064%); highest among the groups gnomAD compares: Non-Finnish European, 0.000087%; no homozygotes.

Submissions (2):

Ambry Genetics
Classification: Uncertain significance for Inborn genetic diseases. Last evaluated: 2026-04-15. Review status: criteria provided, single submitter. Criteria: Ambry Variant Classification Scheme 2023. Collection method: clinical testing. Allele origin: germline.

Labcorp Genetics (formerly Invitae), Labcorp
Classification: Uncertain significance. Last evaluated: 2025-08-03. Review status: criteria provided, single submitter. Criteria: Invitae Variant Classification Sherloc (09022015). Collection method: clinical testing. Allele origin: germline.
Comment: This sequence change replaces proline, which is neutral and non-polar, with glutamine, which is neutral and polar, at codon 525 of the DLL1 protein (p.Pro525Gln). This variant is not present in population databases (gnomAD no frequency). This variant has not been reported in the literature in individuals affected with DLL1-related conditions. An algorithm developed to predict the effect of missense changes on protein structure and function outputs the following: PolyPhen-2: "Benign". The glutamine amino acid residue is found in multiple mammalian species, which suggests that this missense change does not adversely affect protein function. In summary, the available evidence is currently insufficient to determine the role of this variant in disease. Therefore, it has been classified as a Variant of Uncertain Significance.

NM_005618.4(DLL1):c.1574C>A (p.Pro525Gln)

Gene: DLL1 (delta like canonical Notch ligand 1; minus strand). Cytogenetic location: 6q27.
Variant type: single nucleotide variant.
Coding change: c.1574C>A on transcript NM_005618.4 (MANE Select); coding-DNA position 1574, C replaced by A.
Protein change: p.Pro525Gln; replaces proline 525 with glutamine.
Molecular consequence: missense variant.
Genome position (GRCh38, 1-based): chr6:170,283,705, G>T on the plus strand (C>A on the coding strand, the complement: DLL1 is on the minus strand). VCF-style: chr6-170283705-G-T. GRCh37 (hg19) VCF-style: chr6-170592793-G-T.
Other names: c.1574C>A (NM_005618.3); short protein forms P525Q.
Identifiers: ClinVar variation 4723229 (VCV004723229.2).